The following is an entry in ClinVar:

ClinVar aggregate classification (germline): Likely pathogenic (1 of 4 stars; one submission).

Conditions:
Lynch syndrome 5 (LYNCH5). Also called: Colorectal cancer, hereditary nonpolyposis, type 5; Hereditary non-polyposis colorectal cancer, type 5. Identifiers: Orphanet 144, MedGen C1833477, MONDO:0013710, OMIM 614350. Disease mechanism: loss of function.

Submission:

Juno Genomics, Hangzhou Juno Genomics, Inc
Classification: Likely pathogenic for Lynch syndrome 5. Review status: criteria provided, single submitter. Criteria: ACMG Guidelines, 2015. Collection method: clinical testing. Allele origin: germline.
Comment: Absent from controls (or at extremely low frequency if recessive) in Genome Aggregation Database.;Null variant in a gene where loss of function (LOF) is a known mechanism of disease.

NM_000179.3(MSH6):c.2184dup (p.Ala729fs)

Gene: MSH6 (mutS homolog 6; plus strand). Cytogenetic location: 2p16.3.
Variant type: Duplication.
Coding change: c.2184dup on transcript NM_000179.3 (MANE Select); coding-DNA position 2184, one base duplicated (A; older notation c.2184dupA).
Protein change: p.Ala729fs; shifts the reading frame from alanine 729.
Molecular consequence: frameshift variant. On other transcripts: non-coding transcript variant (5), intron variant (2).
Genome position (GRCh38, 1-based): chr2:47,800,167, A duplicated; the last of 3 consecutive A bases (chr2:47,800,165-47,800,167); duplicating any one gives the same sequence. VCF-style (leftmost placement, unchanged base first): chr2-47800164-C-CA. GRCh37 (hg19) VCF-style: chr2-48027303-C-CA.
Other names: c.1794dup, p.Ala599fs (NM_001281492.2); c.1278dup, p.Ala427fs (NM_001281493.2, NM_001281494.2, NM_001406811.1 and 6 more transcripts); c.2280dup, p.Ala761fs (NM_001406795.1, NM_001406802.1); c.2184dup, p.Ala729fs (NM_001406796.1, NM_001406798.1, NM_001406800.1 and 3 more transcripts); c.1887dup, p.Ala630fs (NM_001406797.1, NM_001406801.1, NM_001406805.1 and 10 more transcripts); c.1659dup, p.Ala554fs (NM_001406799.1, NM_001406806.1, NM_001406807.1); c.2106dup, p.Ala703fs (NM_001406804.1); c.2190dup, p.Ala731fs (NM_001406813.1); and 3 more; short protein forms A427fs, A554fs, A599fs, A630fs, A673fs, A703fs, A729fs, A731fs.
Identifiers: ClinVar variation 4796528 (VCV004796528.2).
Genomic context (GRCh38, chr2:47,800,164, plus strand): 5'-AGAATATATTCCCTTGGATTCTGACACAGTCAGCACTACAAGATCTGGTGCTATCTTCAC[C>CA]AAAGCCTATCAACGAATGGTGCTAGATGCAGTGACATTAAACAACTTGGAGATTTTTCTG-3'